The following is an entry in ClinVar:

NM_007027.4(TOPBP1):c.4101A>G (p.Gln1367=)

Gene: TOPBP1 (DNA topoisomerase II binding protein 1; minus strand). Cytogenetic location: 3q22.1.
Variant type: single nucleotide variant.
Coding change: c.4101A>G on transcript NM_007027.4 (MANE Select); coding-DNA position 4101, A replaced by G.
Protein change: p.Gln1367=; no amino-acid change (glutamine 1367 retained).
Molecular consequence: synonymous variant.
Genome position (GRCh38, 1-based): chr3:133,611,076, T>C on the plus strand (A>G on the coding strand, the complement: TOPBP1 is on the minus strand). VCF-style: chr3-133611076-T-C. GRCh37 (hg19) VCF-style: chr3-133329920-T-C.
Other names: c.4086A>G, p.Gln1362= (NM_001363889.2).
Identifiers: ClinVar variation 3043283 (VCV003043283.2), dbSNP rs779755916, ClinGen allele CA2623841.

ClinVar aggregate classification (germline): Likely benign (0 of 4 stars; one submission).

Conditions:
TOPBP1-related disorder. Also called: TOPBP1-related condition.

Allele frequency attached by ClinVar (database versions not stated): gnomAD 0.00002; ExAC 0.00004; gnomAD exomes 0.00004; TOPMed 0.00004.
gnomAD v4.1: 69 of 1,613,466 alleles (0.0043%); highest among the groups gnomAD compares: Middle Eastern, 0.51%; no homozygotes.

Submission:

PreventionGenetics, part of Exact Sciences
Classification: Likely benign for TOPBP1-related condition. Last evaluated: 2019-03-01. Review status: no assertion criteria provided. Collection method: clinical testing. Allele origin: germline.
Comment: This variant is classified as likely benign based on ACMG/AMP sequence variant interpretation guidelines (Richards et al. 2015 PMID: 25741868, with internal and published modifications).